The following is an entry in ClinVar:

NM_001130698.2(TRPC3):c.2691A>T (p.Gln897His)

Gene: TRPC3 (transient receptor potential cation channel subfamily C member 3; minus strand). Cytogenetic location: 4q27.
Variant type: single nucleotide variant.
Coding change: c.2691A>T on transcript NM_001130698.2 (MANE Select); coding-DNA position 2691, A replaced by T.
Protein change: p.Gln897His; replaces glutamine 897 with histidine.
Molecular consequence: missense variant.
Genome position (GRCh38, 1-based): chr4:121,879,811, T>A on the plus strand (A>T on the coding strand, the complement: TRPC3 is on the minus strand). VCF-style: chr4-121879811-T-A. GRCh37 (hg19) VCF-style: chr4-122800966-T-A.
Other names: c.2607A>T, p.Gln869His (NM_001366479.2); c.2472A>T, p.Gln824His (NM_003305.2); short protein forms Q824H, Q869H, Q897H.
Identifiers: ClinVar variation 1903485 (VCV001903485.5), dbSNP rs765477300, ClinGen allele CA3064673.

ClinVar aggregate classification (germline): Uncertain significance (1 of 4 stars; one submission).

Allele frequency attached by ClinVar (database versions not stated): gnomAD exomes 0.00001; ExAC 0.00002.
gnomAD v4.1: 7 of 1,608,412 alleles (0.00044%); highest among the groups gnomAD compares: Admixed American, 0.012%; no homozygotes.

Submission:

Labcorp Genetics (formerly Invitae), Labcorp
Classification: Uncertain significance. Last evaluated: 2022-10-13. Review status: criteria provided, single submitter. Criteria: Invitae Variant Classification Sherloc (09022015). Collection method: clinical testing. Allele origin: germline.
Comment: In summary, the available evidence is currently insufficient to determine the role of this variant in disease. Therefore, it has been classified as a Variant of Uncertain Significance. Advanced modeling of protein sequence and biophysical properties (such as structural, functional, and spatial information, amino acid conservation, physicochemical variation, residue mobility, and thermodynamic stability) performed at Invitae indicates that this missense variant is not expected to disrupt TRPC3 protein function. This variant has not been reported in the literature in individuals affected with TRPC3-related conditions. This variant is present in population databases (rs765477300, gnomAD 0.02%). This sequence change replaces glutamine, which is neutral and polar, with histidine, which is basic and polar, at codon 897 of the TRPC3 protein (p.Gln897His).